The following is an entry in ClinVar:

ClinVar aggregate classification (germline): Uncertain significance. Review status: criteria provided, multiple submitters, no conflicts (2 of 4 stars). 3 submissions from 3 submitters: Uncertain significance (3). Last evaluated 2022-07-09.

Conditions:
Familial infantile myasthenia (CMS6). Also called: MYASTHENIC SYNDROME, PRESYNAPTIC, CONGENITAL, ASSOCIATED WITH EPISODIC APNEA; Congenital myasthenic syndrome type 6; MYASTHENIC SYNDROME, CONGENITAL, 6, PRESYNAPTIC. Identifiers: Orphanet 590, MedGen C0393929, MONDO:0009689, OMIM 254210.

Allele frequency attached by ClinVar (database versions not stated): TOPMed below 0.00001; gnomAD 0.00001.
gnomAD v4.1: 12 of 1,614,088 alleles (0.00074%); highest among the groups gnomAD compares: South Asian, 0.0033%; no homozygotes.

Submissions (3):

Labcorp Genetics (formerly Invitae), Labcorp
Classification: Uncertain significance for Familial infantile myasthenia. Last evaluated: 2022-07-09. Review status: criteria provided, single submitter. Criteria: Invitae Variant Classification Sherloc (09022015). Collection method: clinical testing. Allele origin: germline.
Comment: This sequence change replaces glycine, which is neutral and non-polar, with serine, which is neutral and polar, at codon 410 of the CHAT protein (p.Gly410Ser). This variant is present in population databases (rs749948399, gnomAD 0.007%). This variant has not been reported in the literature in individuals affected with CHAT-related conditions. ClinVar contains an entry for this variant (Variation ID: 289945). Advanced modeling of protein sequence and biophysical properties (such as structural, functional, and spatial information, amino acid conservation, physicochemical variation, residue mobility, and thermodynamic stability) performed at Invitae indicates that this missense variant is expected to disrupt CHAT protein function. In summary, the available evidence is currently insufficient to determine the role of this variant in disease. Therefore, it has been classified as a Variant of Uncertain Significance.

Revvity Omics, Revvity
Classification: Uncertain significance for Familial infantile myasthenia. Last evaluated: 2019-11-24. Review status: criteria provided, single submitter. Criteria: ACMG Guidelines, 2015. Collection method: clinical testing. Allele origin: germline.

Eurofins Ntd Llc (ga)
Classification: Uncertain significance. Last evaluated: 2018-05-31. Review status: criteria provided, single submitter. Criteria: EGL ClinVar v180209 classification definitions. Collection method: clinical testing. Allele origin: germline. Observed: 2 variant alleles, 2 heterozygotes.

NM_020549.5(CHAT):c.1228G>A (p.Gly410Ser)

Gene: CHAT (choline O-acetyltransferase; plus strand). Cytogenetic location: 10q11.23.
Variant type: single nucleotide variant.
Coding change: c.1228G>A on transcript NM_020549.5 (MANE Select); coding-DNA position 1228, G replaced by A.
Protein change: p.Gly410Ser; replaces glycine 410 with serine.
Molecular consequence: missense variant.
Genome position (GRCh38, 1-based): chr10:49,646,621, G>A. VCF-style: chr10-49646621-G-A. GRCh37 (hg19) VCF-style: chr10-50854667-G-A.
Other names: c.874G>A, p.Gly292Ser (NM_001142929.2, NM_001142934.2, NM_020984.4 and 2 more transcripts); c.982G>A, p.Gly328Ser (NM_001142933.2); c.1228G>A (NM_020549.4); short protein forms G292S, G410S, G328S.
Identifiers: ClinVar variation 289945 (VCV000289945.9), dbSNP rs749948399, ClinGen allele CA5497414.